The following is an entry in ClinVar:

NM_025099.6(CTC1):c.3004A>G (p.Thr1002Ala)

Gene: CTC1 (CST telomere replication complex component 1; minus strand). Cytogenetic location: 17p13.1.
Variant type: single nucleotide variant.
Coding change: c.3004A>G on transcript NM_025099.6 (MANE Select); coding-DNA position 3004, A replaced by G.
Protein change: p.Thr1002Ala; replaces threonine 1002 with alanine.
Molecular consequence: missense variant. On other transcripts: non-coding transcript variant (1).
Genome position (GRCh38, 1-based): chr17:8,229,898, T>C on the plus strand (A>G on the coding strand, the complement: CTC1 is on the minus strand). VCF-style: chr17-8229898-T-C. GRCh37 (hg19) VCF-style: chr17-8133216-T-C.
Other names: short protein forms T1002A.
Identifiers: ClinVar variation 1417328 (VCV001417328.6), dbSNP rs1987062062, ClinGen allele CA397972941.
Genomic context (GRCh38, chr17:8,229,898, plus strand): 5'-GGAGATGCAGATGTGAAGCCAGGAAGTTTAGGGGTTGGGGTCTGGGCACTGACCTGATGG[T>C]GGTCTCAGGGGGAAAACTCAGGACCTGCACATAAGTGGATGACCGGAAACAACAATAAAC-3'
Protein context (NP_079375.3, residues 992-1012): VQVLSFPPET[Thr1002Ala]ISIPLPHIYL

ClinVar aggregate classification (germline): Uncertain significance (1 of 4 stars; one submission).

Conditions:
Dyskeratosis congenita. Identifiers: Orphanet 1775, MedGen C0265965, MONDO:0015780.

Allele frequency attached by ClinVar (database versions not stated): gnomAD exomes below 0.00001; TOPMed 0.00001.
gnomAD v4.1: 4 of 1,613,792 alleles (0.00025%); highest among the groups gnomAD compares: African/African-American, 0.0053%; no homozygotes.

Submission:

Labcorp Genetics (formerly Invitae), Labcorp
Classification: Uncertain significance for Dyskeratosis congenita. Last evaluated: 2022-08-22. Review status: criteria provided, single submitter. Criteria: Invitae Variant Classification Sherloc (09022015). Collection method: clinical testing. Allele origin: germline.
Comment: In summary, the available evidence is currently insufficient to determine the role of this variant in disease. Therefore, it has been classified as a Variant of Uncertain Significance. Algorithms developed to predict the effect of missense changes on protein structure and function output the following: SIFT: "Tolerated"; PolyPhen-2: "Benign"; Align-GVGD: "Class C0". The alanine amino acid residue is found in multiple mammalian species, which suggests that this missense change does not adversely affect protein function. ClinVar contains an entry for this variant (Variation ID: 1417328). This variant has not been reported in the literature in individuals affected with CTC1-related conditions. This variant is not present in population databases (gnomAD no frequency). This sequence change replaces threonine, which is neutral and polar, with alanine, which is neutral and non-polar, at codon 1002 of the CTC1 protein (p.Thr1002Ala).